The following is an entry in ClinVar:

NM_002474.3(MYH11):c.346-269C>T

Gene: MYH11 (myosin heavy chain 11; minus strand). Cytogenetic location: 16p13.11.
Variant type: single nucleotide variant.
Coding change: c.346-269C>T on transcript NM_002474.3 (MANE Select); 269 bases into the intron before coding-DNA position 346, C replaced by T.
Molecular consequence: intron variant.
Genome position (GRCh38, 1-based): chr16:15,823,680, G>A on the plus strand (C>T on the coding strand, the complement: MYH11 is on the minus strand). VCF-style: chr16-15823680-G-A. GRCh37 (hg19) VCF-style: chr16-15917537-G-A.
Other names: c.346-269C>T (NM_022844.3, NM_001040114.2, NM_001040113.2).
Identifiers: ClinVar variation 680652 (VCV000680652.1), dbSNP rs62030638, ClinGen allele CA16519663.

ClinVar aggregate classification (germline): Benign (1 of 4 stars; one submission).

Allele frequency attached by ClinVar (database versions not stated): 1000 Genomes Project 30x 0.07480; 1000 Genomes Project 0.07508; TOPMed 0.10120; gnomAD 0.11179.
gnomAD v4.1: 15,711 of 152,008 alleles (10%); highest among the groups gnomAD compares: Non-Finnish European, 12%; 868 homozygotes.

Submission:

GeneDx
Classification: Benign. Last evaluated: 2018-06-14. Review status: criteria provided, single submitter. Criteria: GeneDx Variant Classification (06012015). Collection method: clinical testing. Allele origin: germline. Affected: yes.
Comment: This variant is considered likely benign or benign based on one or more of the following criteria: it is a conservative change, it occurs at a poorly conserved position in the protein, it is predicted to be benign by multiple in silico algorithms, and/or has population frequency not consistent with disease.